The following is an entry in ClinVar:

ClinVar aggregate classification (germline): Pathogenic/Likely pathogenic. Review status: criteria provided, multiple submitters, no conflicts (2 of 4 stars). 3 submissions from 3 submitters: Pathogenic (2); Likely pathogenic (1). Last evaluated 2026-05-19.

Conditions:
Fraser syndrome 1 (FRASRS1). Also called: CRYPTOPHTHALMOS WITH OTHER MALFORMATIONS. Identifiers: Orphanet 2052, MedGen C4551480, MONDO:0054737, OMIM 219000.

Submissions (3):

Women's Health and Genetics/Laboratory Corporation of America, LabCorp
Classification: Pathogenic for Fraser syndrome 1. Last evaluated: 2026-05-19. Review status: criteria provided, single submitter. Criteria: LabCorp Variant Classification Summary - May 2015. Collection method: clinical testing. Allele origin: germline.
Comment: Variant summary: FRAS1 c.382delC (p.Gln128AsnfsX47) results in a premature termination codon, predicted to cause a truncation of the encoded protein or absence of the protein due to nonsense mediated decay, which are commonly known mechanisms for disease. The variant allele was found at a frequency of 8e-06 in 248968 control chromosomes. To our knowledge, no occurrence of c.382delC in individuals affected with FRAS1-related conditions and no experimental evidence demonstrating its impact on protein function have been reported. ClinVar contains an entry for this variant (Variation ID: 2959208). Based on the evidence outlined above, the variant was classified as pathogenic.

Fulgent Genetics
Classification: Likely pathogenic for Fraser syndrome 1. Last evaluated: 2024-02-19. Review status: criteria provided, single submitter. Criteria: ACMG Guidelines, 2015. Collection method: clinical testing. Allele origin: germline.

Labcorp Genetics (formerly Invitae), Labcorp
Classification: Pathogenic. Last evaluated: 2024-01-24. Review status: criteria provided, single submitter. Criteria: Invitae Variant Classification Sherloc (09022015). Collection method: clinical testing. Allele origin: germline.
Comment: This sequence change creates a premature translational stop signal (p.Gln128Asnfs*47) in the FRAS1 gene. It is expected to result in an absent or disrupted protein product. Loss-of-function variants in FRAS1 are known to be pathogenic (PMID: 12766769, 18671281). This variant is present in population databases (rs771770547, gnomAD 0.003%). This variant has not been reported in the literature in individuals affected with FRAS1-related conditions. For these reasons, this variant has been classified as Pathogenic.

Literature cited by the submitters: PubMed 12766769 (cited by Labcorp Genetics (formerly Invitae), Labcorp); PubMed 18671281 (cited by Labcorp Genetics (formerly Invitae), Labcorp).

NM_025074.7(FRAS1):c.382del (p.Gln128fs)

Gene: FRAS1 (Fraser extracellular matrix complex subunit 1; plus strand). Cytogenetic location: 4q21.21.
Variant type: Deletion.
Coding change: c.382del on transcript NM_025074.7 (MANE Select); coding-DNA position 382, one base deleted (C; older notation c.382delC).
Protein change: p.Gln128fs; shifts the reading frame from glutamine 128.
Molecular consequence: frameshift variant.
Genome position (GRCh38, 1-based): chr4:78,252,464, C deleted; the last of 6 consecutive C bases (chr4:78,252,459-78,252,464); deleting any one gives the same sequence. VCF-style (leftmost placement, unchanged base first): chr4-78252458-AC-A. GRCh37 (hg19) VCF-style: chr4-79173612-AC-A.
Other names: c.382del, p.Gln128fs (NM_001166133.2); c.382delC (NM_025074.7); short protein forms Q128fs.
Identifiers: ClinVar variation 2959208 (VCV002959208.5), dbSNP rs771770547, ClinGen allele CA2975923.